The following is an entry in ClinVar:

ClinVar aggregate classification (germline): Benign/Likely benign. Review status: criteria provided, multiple submitters, no conflicts (2 of 4 stars). 8 submissions from 8 submitters: Benign (4); Likely benign (4). Last evaluated 2026-02-03.

Conditions:
Hereditary cancer-predisposing syndrome. Also called: Hereditary Cancer Syndrome; Tumor predisposition; Hereditary neoplastic syndrome; Neoplastic Syndromes, Hereditary. Identifiers: Orphanet 140162, MedGen C0027672, MeSH D009386, MONDO:0015356.

Allele frequency attached by ClinVar (database versions not stated): gnomAD exomes 0.00006 and 0.00014; ExAC 0.00015; 1000 Genomes Project 30x 0.00016; 1000 Genomes Project 0.00020; gnomAD 0.00029 and 0.00030; TOPMed 0.00029; ESP Exome Variant Server 0.00031.
gnomAD v4.1: 137 of 1,613,770 alleles (0.0085%); highest among the groups gnomAD compares: African/African-American, 0.095%; 1 homozygote.

Submissions (8):

Labcorp Genetics (formerly Invitae), Labcorp
Classification: Benign. Last evaluated: 2026-02-03. Review status: criteria provided, single submitter. Criteria: Invitae Variant Classification Sherloc (09022015). Collection method: clinical testing. Allele origin: germline.

Center for Genomic Medicine, Rigshospitalet, Copenhagen University Hospital
Classification: Benign. Last evaluated: 2025-12-29. Review status: criteria provided, single submitter. Criteria: ACMG Guidelines, 2015. Collection method: clinical testing. Allele origin: germline.
Comment: Classification criteria: BA1, BP4, BP7

Blueprint Genetics
Classification: Likely benign. Last evaluated: 2024-04-22. Review status: criteria provided, single submitter. Criteria: ACMG Guidelines, 2015. Collection method: clinical testing. Allele origin: germline.

Genetic Services Laboratory, University of Chicago
Classification: Likely benign. Last evaluated: 2021-04-02. Review status: criteria provided, single submitter. Criteria: ACMG Guidelines, 2015. Collection method: clinical testing. Allele origin: germline. Affected: no.

Sema4
Classification: Benign for Hereditary cancer-predisposing syndrome. Last evaluated: 2020-11-17. Review status: criteria provided, single submitter. Criteria: Sema4 Curation Guidelines. Collection method: curation. Allele origin: germline.

GeneDx
Classification: Likely benign. Last evaluated: 2020-06-10. Review status: criteria provided, single submitter. Criteria: GeneDx Variant Classification Process June 2021. Collection method: clinical testing. Allele origin: germline. Affected: yes.

Quest Diagnostics Nichols Institute San Juan Capistrano
Classification: Benign. Last evaluated: 2018-04-16. Review status: criteria provided, single submitter. Criteria: Quest Diagnostics criteria. Collection method: clinical testing. Allele origin: germline.

Ambry Genetics
Classification: Likely benign for Hereditary cancer-predisposing syndrome. Last evaluated: 2015-09-01. Review status: criteria provided, single submitter. Criteria: Ambry Variant Classification Scheme 2023. Collection method: clinical testing. Allele origin: germline.

NM_006231.4(POLE):c.6795C>T (p.Tyr2265=)

Gene: POLE (DNA polymerase epsilon, catalytic subunit; minus strand). Cytogenetic location: 12q24.33.
Variant type: single nucleotide variant.
Coding change: c.6795C>T on transcript NM_006231.4 (MANE Select); coding-DNA position 6795, C replaced by T.
Protein change: p.Tyr2265=; no amino-acid change (tyrosine 2265 retained).
Molecular consequence: synonymous variant.
Genome position (GRCh38, 1-based): chr12:132,624,763, G>A on the plus strand (C>T on the coding strand, the complement: POLE is on the minus strand). VCF-style: chr12-132624763-G-A. GRCh37 (hg19) VCF-style: chr12-133201349-G-A.
Identifiers: ClinVar variation 240619 (VCV000240619.25), dbSNP rs142222159, ClinGen allele CA6891961.